The following is an entry in ClinVar:

ClinVar aggregate classification (germline): Pathogenic (1 of 4 stars; one submission).

Conditions:
Neuronal ceroid lipofuscinosis 2. Also called: JANSKY-BIELSCHOWSKY DISEASE NEURONAL CEROID LIPOFUSCINOSIS, LATE INFANTILE; TPP1-Related Neuronal Ceroid-Lipofuscinosis. Identifiers: Orphanet 168491, Orphanet 228349, Orphanet 79264, MedGen C1876161, MONDO:0008769, OMIM 204500.

Submission:

Baylor Genetics
Classification: Pathogenic for Neuronal ceroid lipofuscinosis 2. Last evaluated: 2017-09-01. Review status: criteria provided, single submitter. Criteria: ACMG Guidelines, 2015. Collection method: clinical testing. Allele origin: paternal. Inheritance: Autosomal recessive inheritance. Affected: yes.

Literature cited by the submitters: PubMed 25326635.

NM_000391.4(TPP1):c.1098G>A (p.Trp366Ter)

Gene: TPP1 (tripeptidyl peptidase 1; minus strand). Cytogenetic location: 11p15.4.
Variant type: single nucleotide variant.
Coding change: c.1098G>A on transcript NM_000391.4 (MANE Select); coding-DNA position 1098, G replaced by A.
Protein change: p.Trp366Ter; replaces tryptophan 366 with a stop codon.
Molecular consequence: nonsense.
Genome position (GRCh38, 1-based): chr11:6,616,052, C>T on the plus strand (G>A on the coding strand, the complement: TPP1 is on the minus strand). VCF-style: chr11-6616052-C-T. GRCh37 (hg19) VCF-style: chr11-6637283-C-T.
Other names: short protein forms W366*.
Identifiers: ClinVar variation 561135 (VCV000561135.2), dbSNP rs1564854729, ClinGen allele CA379473815.